The following is an entry in ClinVar:

ClinVar aggregate classification (germline): Uncertain significance (1 of 4 stars; one submission).

Conditions:
Inborn genetic diseases. Identifiers: MedGen C0950123, MeSH D030342.

Submission:

Ambry Genetics
Classification: Uncertain significance for Inborn genetic diseases. Last evaluated: 2026-06-02. Review status: criteria provided, single submitter. Criteria: Ambry Variant Classification Scheme 2023. Collection method: clinical testing. Allele origin: germline.
Comment: The p.P80L variant (also known as c.239C>T), located in coding exon 1 of the SAMD9L gene, results from a C to T substitution at nucleotide position 239. The proline at codon 80 is replaced by leucine, an amino acid with similar properties. This amino acid position is conserved. In addition, this alteration is predicted to be tolerated by in silico analysis. Based on the available evidence, the clinical significance of this variant remains unclear.

NM_152703.5(SAMD9L):c.239C>T (p.Pro80Leu)

Gene: SAMD9L (sterile alpha motif domain containing 9 like; minus strand). Cytogenetic location: 7q21.2.
Variant type: single nucleotide variant.
Coding change: c.239C>T on transcript NM_152703.5 (MANE Select); coding-DNA position 239, C replaced by T.
Protein change: p.Pro80Leu; replaces proline 80 with leucine.
Molecular consequence: missense variant.
Genome position (GRCh38, 1-based): chr7:93,135,733, G>A on the plus strand (C>T on the coding strand, the complement: SAMD9L is on the minus strand). VCF-style: chr7-93135733-G-A. GRCh37 (hg19) VCF-style: chr7-92765046-G-A.
Other names: c.239C>T, p.Pro80Leu (NM_001303496.3, NM_001303497.3, NM_001303498.3 and 5 more transcripts); short protein forms P80L.
Identifiers: ClinVar variation 4864021 (VCV004864021.1).
Genomic context (GRCh38, chr7:93,135,733, plus strand): 5'-TGTTCTGTTTTGGACGGTTTTGAATTATCTAATTGTCCCGGATCATGATTGTCACTTTCA[G>A]GGGACTTACTATTCAATTTGTTGTATGAACGTTTTATCAAAAGTGCTGGACCCCATGGTA-3'
Protein context (NP_689916.2, residues 70-90): RSYNKLNSKS[Pro80Leu]ESDNHDPGQL